The following is an entry in ClinVar:

ClinVar aggregate classification (germline): Uncertain significance (1 of 4 stars; one submission).

Conditions:
Hereditary cancer-predisposing syndrome. Also called: Neoplastic Syndromes, Hereditary; Tumor predisposition; Hereditary Cancer Syndrome; Hereditary neoplastic syndrome. Identifiers: Orphanet 140162, MedGen C0027672, MeSH D009386, MONDO:0015356.

Submission:

Ambry Genetics
Classification: Uncertain significance for Hereditary cancer-predisposing syndrome. Last evaluated: 2026-05-08. Review status: criteria provided, single submitter. Criteria: Ambry Variant Classification Scheme 2023. Collection method: clinical testing. Allele origin: germline.
Comment: The p.Y112C variant (also known as c.335A>G), located in coding exon 3 of the EGFR gene, results from an A to G substitution at nucleotide position 335. The tyrosine at codon 112 is replaced by cysteine, an amino acid with highly dissimilar properties. This amino acid position is not well conserved in available vertebrate species. In addition, the in silico prediction for this alteration is inconclusive. Based on the available evidence, the clinical significance of this variant remains unclear.

NM_005228.5(EGFR):c.335A>G (p.Tyr112Cys)

Gene: EGFR (epidermal growth factor receptor; plus strand). Cytogenetic location: 7p11.2.
Variant type: single nucleotide variant.
Coding change: c.335A>G on transcript NM_005228.5 (MANE Select); coding-DNA position 335, A replaced by G.
Protein change: p.Tyr112Cys; replaces tyrosine 112 with cysteine.
Molecular consequence: missense variant. On other transcripts: intron variant (1).
Genome position (GRCh38, 1-based): chr7:55,143,399, A>G. VCF-style: chr7-55143399-A-G. GRCh37 (hg19) VCF-style: chr7-55211092-A-G.
Other names: c.335A>G, p.Tyr112Cys (NM_001346897.2, NM_001346898.2, NM_001346899.2 and 3 more transcripts); c.176A>G, p.Tyr59Cys (NM_001346900.2); c.89-12431A>G (NM_001346941.2); short protein forms Y112C, Y59C.
Identifiers: ClinVar variation 4870216 (VCV004870216.1).
Genomic context (GRCh38, chr7:55,143,399, plus strand): 5'-CCCTCAACACAGTGGAGCGAATTCCTTTGGAAAACCTGCAGATCATCAGAGGAAATATGT[A>G]CTACGAAAATTCCTATGCCTTAGCAGTCTTATCTAACTATGATGCAAATAAAACCGGACT-3'
Protein context (NP_005219.2, residues 102-122): ENLQIIRGNM[Tyr112Cys]YENSYALAVL